The following is an entry in ClinVar:

ClinVar aggregate classification (germline): Uncertain significance (1 of 4 stars; one submission).

Conditions:
Naxos disease (NXD). Also called: KERATOSIS PALMOPLANTARIS WITH ARRHYTHMOGENIC CARDIOMYOPATHY; MAL DE NAXOS; PALMOPLANTAR KERATODERMA WITH ARRHYTHMOGENIC RIGHT VENTRICULAR CARDIOMYOPATHY AND WOOLLY HAIR; WOOLLY HAIR, PALMOPLANTAR KERATODERMA, AND CARDIAC ABNORMALITIES; CARDIOMYOPATHY, ARRHYTHMOGENIC RIGHT VENTRICULAR, WITH SKIN, HAIR, AND NAIL ABNORMALITIES. Identifiers: Orphanet 34217, MedGen C1832600, MONDO:0011017, OMIM 601214.
Arrhythmogenic right ventricular dysplasia 12. Also called: ARRHYTHMOGENIC RIGHT VENTRICULAR DYSPLASIA, FAMILIAL, 12. Identifiers: MedGen C1969081, MONDO:0012684, OMIM 611528.

Submission:

Labcorp Genetics (formerly Invitae), Labcorp
Classification: Uncertain significance for Arrhythmogenic right ventricular dysplasia 12; Naxos disease. Last evaluated: 2024-04-09. Review status: criteria provided, single submitter. Criteria: Invitae Variant Classification Sherloc (09022015). Collection method: clinical testing. Allele origin: germline.
Comment: This sequence change replaces glycine, which is neutral and non-polar, with serine, which is neutral and polar, at codon 358 of the JUP protein (p.Gly358Ser). This variant is not present in population databases (gnomAD no frequency). This variant has not been reported in the literature in individuals affected with JUP-related conditions. An algorithm developed to predict the effect of missense changes on protein structure and function (PolyPhen-2) suggests that this variant is likely to be disruptive. In summary, the available evidence is currently insufficient to determine the role of this variant in disease. Therefore, it has been classified as a Variant of Uncertain Significance.

NM_002230.4(JUP):c.1072G>A (p.Gly358Ser)

Gene: JUP (junction plakoglobin; minus strand). Cytogenetic location: 17q21.2.
Variant type: single nucleotide variant.
Coding change: c.1072G>A on transcript NM_002230.4 (MANE Select); coding-DNA position 1072, G replaced by A.
Protein change: p.Gly358Ser; replaces glycine 358 with serine.
Molecular consequence: missense variant.
Genome position (GRCh38, 1-based): chr17:41,764,799, C>T on the plus strand (G>A on the coding strand, the complement: JUP is on the minus strand). VCF-style: chr17-41764799-C-T. GRCh37 (hg19) VCF-style: chr17-39921051-C-T.
Other names: c.1072G>A, p.Gly358Ser (NM_001352773.2, NM_001352774.2, NM_001352775.2 and 3 more transcripts); short protein forms G358S.
Identifiers: ClinVar variation 3755765 (VCV003755765.2).